The following is an entry in ClinVar:

ClinVar aggregate classification (germline): Uncertain significance (0 of 4 stars; one submission).

Conditions:
Seizure. Also called: Seizures. Identifiers: MedGen C0036572, HP:0001250.

Submission:

Center for Human Genetics and Genomic Medicine, Uniklinik Rwth Aachen
Classification: Uncertain significance for Seizure. Last evaluated: 2022-05-19. Review status: no assertion criteria provided. Collection method: clinical testing. Allele origin: de novo. Inheritance: Autosomal dominant inheritance. Affected: yes. Observed: 1 heterozygote.
Comment: The variant has not yet been found in databases (gnomAD, dbSNP, ClinVar). Bioinformatically, the change is evaluated as more pathogenic (CADDphred 22.6). So far there is no disease association with pathogenic changes in BSN, but mice with loss of function in BSN show various neurological abnormalities.

NM_003458.4(BSN):c.8912A>G (p.Glu2971Gly)

Gene: BSN (bassoon presynaptic cytomatrix protein; plus strand). Cytogenetic location: 3p21.31.
Variant type: single nucleotide variant.
Coding change: c.8912A>G on transcript NM_003458.4 (MANE Select); coding-DNA position 8912, A replaced by G.
Protein change: p.Glu2971Gly; replaces glutamic acid 2971 with glycine.
Molecular consequence: missense variant.
Genome position (GRCh38, 1-based): chr3:49,660,757, A>G. VCF-style: chr3-49660757-A-G. GRCh37 (hg19) VCF-style: chr3-49698190-A-G.
Other names: short protein forms E2971G.
Identifiers: ClinVar variation 1684495 (VCV001684495.2), dbSNP rs2108093908, ClinGen allele CA352849062.
Genomic context (GRCh38, chr3:49,660,757, plus strand): 5'-TGGAGCATGAGTCCACCAAACTGCGCAAGAAGCAGGCAGAGCTGGATGAGGAGGAGAAGG[A>G]GATTGACGCCAAGCTCAAGTACCTGGAGTTGGGTATCACACAACGCAAAGAGTCTTTGGC-3'
Protein context (NP_003449.2, residues 2961-2981): KQAELDEEEK[Glu2971Gly]IDAKLKYLEL